The following is an entry in ClinVar:

NM_007363.5(NONO):c.376A>G (p.Lys126Glu)

Gene: NONO (non-POU domain containing octamer binding; plus strand). Cytogenetic location: Xq13.1.
Variant type: single nucleotide variant.
Coding change: c.376A>G on transcript NM_007363.5 (MANE Select); coding-DNA position 376, A replaced by G.
Protein change: p.Lys126Glu; replaces lysine 126 with glutamic acid.
Molecular consequence: missense variant.
Genome position (GRCh38, 1-based): chrX:71,294,254, A>G. VCF-style: chrX-71294254-A-G. GRCh37 (hg19) VCF-style: chrX-70514104-A-G.
Other names: c.376A>G, p.Lys126Glu (NM_001145408.2, NM_001145409.2); c.109A>G, p.Lys37Glu (NM_001145410.2); short protein forms K126E, K37E.
Identifiers: ClinVar variation 3378219 (VCV003378219.1).
Genomic context (GRCh38, chrX:71,294,254, plus strand): 5'-ACTGAGTTATTCTGATTTTCCTCTGCTTCCTAGGAAACCCGAACCCTAGCGGAGATTGCC[A>G]AAGTGGAGCTGGACAATATGCCACTCCGTGGAAAGCAGCTGCGTGTGCGCTTTGCCTGCC-3'
Protein context (NP_031389.3, residues 116-136): LETRTLAEIA[Lys126Glu]VELDNMPLRG

ClinVar aggregate classification (germline): Uncertain significance (1 of 4 stars; one submission).

Submission:

GeneDx
Classification: Uncertain significance. Last evaluated: 2024-05-13. Review status: criteria provided, single submitter. Criteria: GeneDx Variant Classification Process June 2021. Collection method: clinical testing. Allele origin: germline. Affected: yes.
Comment: Not observed at significant frequency in large population cohorts (gnomAD); In silico analysis supports that this missense variant has a deleterious effect on protein structure/function; Has not been previously published as pathogenic or benign to our knowledge